The following is an entry in ClinVar:

ClinVar aggregate classification (germline): Uncertain significance (1 of 4 stars; one submission).

Allele frequency attached by ClinVar (database versions not stated): gnomAD exomes 0.00002 and 0.00005; TOPMed 0.00002; ExAC 0.00003; gnomAD 0.00003.
gnomAD v4.1: 26 of 1,614,052 alleles (0.0016%); highest among the groups gnomAD compares: Admixed American, 0.023%; no homozygotes.

Submission:

Labcorp Genetics (formerly Invitae), Labcorp
Classification: Uncertain significance. Last evaluated: 2025-01-28. Review status: criteria provided, single submitter. Criteria: Invitae Variant Classification Sherloc (09022015). Collection method: clinical testing. Allele origin: germline.
Comment: This sequence change replaces glutamic acid, which is acidic and polar, with lysine, which is basic and polar, at codon 138 of the ERCC3 protein (p.Glu138Lys). This variant is present in population databases (rs773390535, gnomAD 0.03%). This variant has not been reported in the literature in individuals affected with ERCC3-related conditions. ClinVar contains an entry for this variant (Variation ID: 1429304). Invitae Evidence Modeling of protein sequence and biophysical properties (such as structural, functional, and spatial information, amino acid conservation, physicochemical variation, residue mobility, and thermodynamic stability) indicates that this missense variant is not expected to disrupt ERCC3 protein function with a negative predictive value of 80%. In summary, the available evidence is currently insufficient to determine the role of this variant in disease. Therefore, it has been classified as a Variant of Uncertain Significance.

NM_000122.2(ERCC3):c.412G>A (p.Glu138Lys)

Gene: ERCC3 (ERCC excision repair 3, TFIIH core complex helicase subunit; minus strand). Cytogenetic location: 2q14.3.
Variant type: single nucleotide variant.
Coding change: c.412G>A on transcript NM_000122.2 (MANE Select); coding-DNA position 412, G replaced by A.
Protein change: p.Glu138Lys; replaces glutamic acid 138 with lysine.
Molecular consequence: missense variant.
Genome position (GRCh38, 1-based): chr2:127,292,669, C>T on the plus strand (G>A on the coding strand, the complement: ERCC3 is on the minus strand). VCF-style: chr2-127292669-C-T. GRCh37 (hg19) VCF-style: chr2-128050245-C-T.
Other names: c.220G>A, p.Glu74Lys (NM_001303416.2, NM_001303418.2); short protein forms E74K, E138K.
Identifiers: ClinVar variation 1429304 (VCV001429304.5), dbSNP rs773390535, ClinGen allele CA1858552.